The following is an entry in ClinVar:

NM_006922.4(SCN3A):c.2754C>G (p.Asp918Glu)

Gene: SCN3A (sodium voltage-gated channel alpha subunit 3; minus strand). Cytogenetic location: 2q24.3.
Variant type: single nucleotide variant.
Coding change: c.2754C>G on transcript NM_006922.4 (MANE Select); coding-DNA position 2754, C replaced by G.
Protein change: p.Asp918Glu; replaces aspartic acid 918 with glutamic acid.
Molecular consequence: missense variant.
Genome position (GRCh38, 1-based): chr2:165,130,108, G>C on the plus strand (C>G on the coding strand, the complement: SCN3A is on the minus strand). VCF-style: chr2-165130108-G-C. GRCh37 (hg19) VCF-style: chr2-165986618-G-C.
Other names: c.2607C>G, p.Asp869Glu (NM_001081676.2, NM_001081677.2); short protein forms D869E, D918E.
Identifiers: ClinVar variation 1699748 (VCV001699748.2), dbSNP rs1687224167, ClinGen allele CA349042603.

ClinVar aggregate classification (germline): Uncertain significance (1 of 4 stars; one submission).

Submission:

GeneDx
Classification: Uncertain significance. Last evaluated: 2022-01-27. Review status: criteria provided, single submitter. Criteria: GeneDx Variant Classification Process June 2021. Collection method: clinical testing. Allele origin: germline. Affected: yes.
Comment: Not observed at significant frequency in large population cohorts (gnomAD); In silico analysis supports that this missense variant has a deleterious effect on protein structure/function; Has not been previously published as pathogenic or benign to our knowledge